The following is an entry in ClinVar:

ClinVar aggregate classification (germline): Uncertain significance (1 of 4 stars; one submission).

Conditions:
Severe combined immunodeficiency due to DNA-PKcs deficiency. Also called: Immunodeficiency 26 with or without neurologic abnormalities; IMMUNODEFICIENCY 26 WITH NEUROLOGIC ABNORMALITIES. Identifiers: Orphanet 317425, MedGen C4014833, MONDO:0014423, OMIM 615966.

Allele frequency attached by ClinVar (database versions not stated): gnomAD 0.00001; gnomAD exomes 0.00001; TOPMed 0.00002.
gnomAD v4.1: 13 of 1,597,656 alleles (0.00081%); highest among the groups gnomAD compares: South Asian, 0.0011%; no homozygotes.

Submission:

Labcorp Genetics (formerly Invitae), Labcorp
Classification: Uncertain significance for Severe combined immunodeficiency due to DNA-PKcs deficiency. Last evaluated: 2021-12-23. Review status: criteria provided, single submitter. Criteria: Invitae Variant Classification Sherloc (09022015). Collection method: clinical testing. Allele origin: germline.
Comment: This variant has not been reported in the literature in individuals affected with PRKDC-related conditions. Experimental studies and prediction algorithms are not available or were not evaluated, and the functional significance of this variant is currently unknown. This sequence change replaces arginine, which is basic and polar, with glutamine, which is neutral and polar, at codon 70 of the PRKDC protein (p.Arg70Gln). This variant is not present in population databases (gnomAD no frequency). In summary, the available evidence is currently insufficient to determine the role of this variant in disease. Therefore, it has been classified as a Variant of Uncertain Significance.

NM_006904.7(PRKDC):c.209G>A (p.Arg70Gln)

Gene: PRKDC (protein kinase, DNA-activated, catalytic subunit; minus strand). Cytogenetic location: 8q11.21.
Variant type: single nucleotide variant.
Coding change: c.209G>A on transcript NM_006904.7 (MANE Select); coding-DNA position 209, G replaced by A.
Protein change: p.Arg70Gln; replaces arginine 70 with glutamine.
Molecular consequence: missense variant.
Genome position (GRCh38, 1-based): chr8:47,957,377, C>T on the plus strand (G>A on the coding strand, the complement: PRKDC is on the minus strand). VCF-style: chr8-47957377-C-T. GRCh37 (hg19) VCF-style: chr8-48869937-C-T.
Other names: c.209G>A, p.Arg70Gln (NM_001081640.2); short protein forms R70Q.
Identifiers: ClinVar variation 1398007 (VCV001398007.6), dbSNP rs1487320379, ClinGen allele CA371141501.